The following is an entry in ClinVar:

ClinVar aggregate classification (germline): Uncertain significance (1 of 4 stars; one submission).

Conditions:
Choanal atresia-athelia-hypothyroidism-delayed puberty-short stature syndrome (BCAHH). Also called: BRANCHIAL ARCH ABNORMALITIES, CHOANAL ATRESIA, ATHELIA, HEARING LOSS, AND HYPOTHYROIDISM SYNDROME. Identifiers: Orphanet 589856, MedGen C5680310, MONDO:0035651, OMIM 620186.
Kabuki syndrome 1 (KABUK1). Also called: KMT2D-Related Kabuki Syndrome. Identifiers: Orphanet 2322, MedGen CN030661, MONDO:0007843, OMIM 147920.

gnomAD v4.1: 1 of 1,613,940 alleles (0.000062%); highest among the groups gnomAD compares: Non-Finnish European, 0.000085%; no homozygotes.

Submission:

Juno Genomics, Hangzhou Juno Genomics, Inc
Classification: Uncertain significance for Choanal atresia-athelia-hypothyroidism-delayed puberty-short stature syndrome; Kabuki syndrome 1. Review status: criteria provided, single submitter. Criteria: ACMG Guidelines, 2015. Collection method: clinical testing. Allele origin: germline.
Comment: Absent from controls (or at extremely low frequency if recessive) in Genome Aggregation Database.;Missense variant in a gene that has a low rate of benign missense variation.

NM_003482.4(KMT2D):c.9245G>T (p.Arg3082Leu)

Gene: KMT2D (lysine methyltransferase 2D; minus strand). Cytogenetic location: 12q13.12.
Variant type: single nucleotide variant.
Coding change: c.9245G>T on transcript NM_003482.4 (MANE Select); coding-DNA position 9245, G replaced by T.
Protein change: p.Arg3082Leu; replaces arginine 3082 with leucine.
Molecular consequence: missense variant.
Genome position (GRCh38, 1-based): chr12:49,038,111, C>A on the plus strand (G>T on the coding strand, the complement: KMT2D is on the minus strand). VCF-style: chr12-49038111-C-A. GRCh37 (hg19) VCF-style: chr12-49431894-C-A.
Other names: short protein forms R3082L.
Identifiers: ClinVar variation 5005115 (VCV005005115.2).